The following is an entry in ClinVar:

ClinVar aggregate classification (germline): Likely benign. Review status: criteria provided, multiple submitters, no conflicts (2 of 4 stars). 3 submissions from 3 submitters: Likely benign (3). Last evaluated 2026-01-28.

Conditions:
Neuroblastoma, susceptibility to, 3. Also called: ALK-Related Neuroblastic Tumor Susceptibility. Identifiers: Orphanet 635, MedGen C2751681, MONDO:0013083, OMIM 613014.
Hereditary cancer-predisposing syndrome. Also called: Hereditary neoplastic syndrome; Tumor predisposition; Neoplastic Syndromes, Hereditary; Hereditary Cancer Syndrome. Identifiers: Orphanet 140162, MedGen C0027672, MeSH D009386, MONDO:0015356.

Allele frequency attached by ClinVar (database versions not stated): gnomAD exomes below 0.00001 and 0.00001; gnomAD 0.00004 and 0.00003; TOPMed 0.00003.
gnomAD v4.1: 23 of 1,614,050 alleles (0.0014%); highest among the groups gnomAD compares: African/African-American, 0.004%; no homozygotes.

Submissions (3):

Labcorp Genetics (formerly Invitae), Labcorp
Classification: Likely benign for Neuroblastoma, susceptibility to, 3. Last evaluated: 2026-01-28. Review status: criteria provided, single submitter. Criteria: Invitae Variant Classification Sherloc (09022015). Collection method: clinical testing. Allele origin: germline.

CeGaT Center for Human Genetics Tuebingen
Classification: Likely benign. Last evaluated: 2022-07-01. Review status: criteria provided, single submitter. Criteria: CeGaT Center For Human Genetics Tuebingen Variant Classification Criteria Version 2. Collection method: clinical testing. Allele origin: germline. Affected: yes. Observed: 1 variant allele.
Comment: ALK: BP4, BP7

Ambry Genetics
Classification: Likely benign for Hereditary cancer-predisposing syndrome. Last evaluated: 2022-02-27. Review status: criteria provided, single submitter. Criteria: Ambry Variant Classification Scheme 2023. Collection method: clinical testing. Allele origin: germline.

NM_004304.5(ALK):c.4656G>A (p.Gly1552=)

Gene: ALK (ALK receptor tyrosine kinase; minus strand). Cytogenetic location: 2p23.2.
Variant type: single nucleotide variant.
Coding change: c.4656G>A on transcript NM_004304.5 (MANE Select); coding-DNA position 4656, G replaced by A.
Protein change: p.Gly1552=; no amino-acid change (glycine 1552 retained).
Molecular consequence: synonymous variant.
Genome position (GRCh38, 1-based): chr2:29,193,431, C>T on the plus strand (G>A on the coding strand, the complement: ALK is on the minus strand). VCF-style: chr2-29193431-C-T. GRCh37 (hg19) VCF-style: chr2-29416297-C-T.
Other names: c.1452G>A, p.Gly484= (NM_001353765.2).
Identifiers: ClinVar variation 470881 (VCV000470881.38), dbSNP rs952457982, ClinGen allele CA44634783.